The following is an entry in ClinVar:

NM_024675.4(PALB2):c.722_750del (p.Asn241fs)

Gene: PALB2 (partner and localizer of BRCA2; minus strand). Cytogenetic location: 16p12.2.
Variant type: Deletion.
Coding change: c.722_750del on transcript NM_024675.4 (MANE Select); coding-DNA positions 722 to 750, 29 bases deleted (ATTTCACCAGGGCGACTACAGTTCCTTTA).
Protein change: p.Asn241fs; shifts the reading frame from asparagine 241.
Molecular consequence: frameshift variant. On other transcripts: 5 prime UTR variant (8), intron variant (3).
Genome position (GRCh38, 1-based): chr16:23,635,796-23,635,824, TAAAGGAACTGTAGTCGCCCTGGTGAAAT deleted on the plus strand (ATTTCACCAGGGCGACTACAGTTCCTTTA on the coding strand, the reverse complement: PALB2 is on the minus strand); deleting any 29 consecutive bases within chr16:23,635,796-23,635,826 gives the same sequence; the c. name uses the placement nearest the transcript's 3' end. VCF-style (leftmost placement, unchanged base first): chr16-23635795-GTAAAGGAACTGTAGTCGCCCTGGTGAAAT-G. GRCh37 (hg19) VCF-style: chr16-23647116-GTAAAGGAACTGTAGTCGCCCTGGTGAAAT-G.
Other names: c.662_690del, p.Asn221fs (NM_001407296.1); c.722_750del, p.Asn241fs (NM_001407297.1, NM_001407298.1, NM_001407299.1 and 3 more transcripts); c.-164_-136del (NM_001407304.1, NM_001407305.1, NM_001407306.1 and 5 more transcripts); c.48+5286_48+5314del (NM_001407314.1); c.-105+5286_-105+5314del (NM_001407313.1, NM_001407312.1); short protein forms N221fs, N241fs.
Identifiers: ClinVar variation 2674178 (VCV002674178.1), dbSNP rs2506500998, ClinGen allele CA2695197542.

ClinVar aggregate classification (germline): Pathogenic (1 of 4 stars; one submission).

Conditions:
Familial cancer of breast. Also called: Hereditary breast cancer; BREAST CANCER, FAMILIAL; hereditary breast carcinoma. Identifiers: Orphanet 227535, MedGen C0346153, MONDO:0016419, OMIM 114480. Disease mechanism: loss of function.

Submission:

Myriad Genetics, Inc.
Classification: Pathogenic for Familial cancer of breast. Last evaluated: 2023-09-07. Review status: criteria provided, single submitter. Criteria: Myriad Autosomal Dominant, Autosomal Recessive and X-Linked Classification Criteria (2023). Collection method: clinical testing. Allele origin: unknown.
Comment: This variant is considered pathogenic. This variant creates a frameshift predicted to result in premature protein truncation.